The following is an entry in ClinVar:

NM_144997.7(FLCN):c.303G>C (p.Glu101Asp)

Gene: FLCN (folliculin; minus strand). Cytogenetic location: 17p11.2.
Variant type: single nucleotide variant.
Coding change: c.303G>C on transcript NM_144997.7 (MANE Select); coding-DNA position 303, G replaced by C.
Protein change: p.Glu101Asp; replaces glutamic acid 101 with aspartic acid.
Molecular consequence: missense variant.
Genome position (GRCh38, 1-based): chr17:17,226,269, C>G on the plus strand (G>C on the coding strand, the complement: FLCN is on the minus strand). VCF-style: chr17-17226269-C-G. GRCh37 (hg19) VCF-style: chr17-17129583-C-G.
Other names: c.303G>C (LRG_325t1, NM_144997.6); c.303G>C, p.Glu101Asp (NM_001353229.2, NM_001353230.2, NM_001353231.2 and 1 more transcripts); short protein forms E101D.
Identifiers: ClinVar variation 529999 (VCV000529999.12), dbSNP rs910566279, ClinGen allele CA288319037.

ClinVar aggregate classification (germline): Conflicting classifications of pathogenicity. Review status: criteria provided, conflicting classifications (1 of 4 stars). 4 submissions from 4 submitters: Uncertain significance (3); Benign (1). Last evaluated 2025-11-05.

Conditions:
Birt-Hogg-Dube syndrome. Also called: Birt Hogg Dubé syndrome. Identifiers: Orphanet 122, MedGen C0346010, MONDO:0800444.
Hereditary cancer-predisposing syndrome. Also called: Neoplastic Syndromes, Hereditary; Hereditary neoplastic syndrome; Tumor predisposition; Hereditary Cancer Syndrome. Identifiers: Orphanet 140162, MedGen C0027672, MeSH D009386, MONDO:0015356.

Allele frequency attached by ClinVar (database versions not stated): gnomAD exomes 0.00001 and 0.00002; TOPMed 0.00001; gnomAD 0.00004.
gnomAD v4.1: 17 of 1,614,104 alleles (0.0011%); highest among the groups gnomAD compares: Admixed American, 0.018%; no homozygotes.

Submissions (4):

Labcorp Genetics (formerly Invitae), Labcorp
Classification: Uncertain significance for Birt-Hogg-Dube syndrome. Last evaluated: 2025-11-05. Review status: criteria provided, single submitter. Criteria: Invitae Variant Classification Sherloc (09022015). Collection method: clinical testing. Allele origin: germline.
Comment: This sequence change replaces glutamic acid, which is acidic and polar, with aspartic acid, which is acidic and polar, at codon 101 of the FLCN protein (p.Glu101Asp). This variant is present in population databases (no rsID available, gnomAD 0.02%). This variant has not been reported in the literature in individuals affected with FLCN-related conditions. ClinVar contains an entry for this variant (Variation ID: 529999). Invitae Evidence Modeling of protein sequence and biophysical properties (such as structural, functional, and spatial information, amino acid conservation, physicochemical variation, residue mobility, and thermodynamic stability) indicates that this missense variant is not expected to disrupt FLCN protein function with a negative predictive value of 80%. In summary, the available evidence is currently insufficient to determine the role of this variant in disease. Therefore, it has been classified as a Variant of Uncertain Significance.

Quest Diagnostics Nichols Institute San Juan Capistrano
Classification: Uncertain significance. Last evaluated: 2025-07-23. Review status: criteria provided, single submitter. Criteria: Quest Diagnostics criteria. Collection method: clinical testing. Allele origin: unknown.
Comment: The FLCN c.303G>C (p.Glu101Asp) variant has been reported in the published literature in an individual with personal and/or family history of hereditary breast and ovarian cancer (HBOC) syndrome (PMID: 38874686 (2024)). The frequency of this variant in the general population (Genome Aggregation Database) is uninformative in the assessment of its pathogenicity. Analysis of this variant using bioinformatics tools for the prediction of the effect of amino acid changes on protein structure and function yielded predictions that this variant is benign. Based on the available information, we are unable to determine the clinical significance of this variant.

Ambry Genetics
Classification: Benign for Hereditary cancer-predisposing syndrome. Last evaluated: 2023-12-18. Review status: criteria provided, single submitter. Criteria: Ambry Variant Classification Scheme 2023. Collection method: clinical testing. Allele origin: germline.

GeneDx
Classification: Uncertain significance. Last evaluated: 2023-07-18. Review status: criteria provided, single submitter. Criteria: GeneDx Variant Classification Process June 2021. Collection method: clinical testing. Allele origin: germline. Affected: yes.
Comment: In silico analysis supports that this missense variant does not alter protein structure/function; Has not been previously published as pathogenic or benign to our knowledge

Literature cited by the submitters: PubMed 38874686 (cited by Quest Diagnostics Nichols Institute San Juan Capistrano).